The following is an entry in ClinVar:

ClinVar aggregate classification (germline): Pathogenic/Likely pathogenic. Review status: criteria provided, multiple submitters, no conflicts (2 of 4 stars). 2 submissions from 2 submitters: Pathogenic (1); Likely pathogenic (1). Last evaluated 2024-01-17.

Conditions:
Retinitis pigmentosa 39 (RP39). Identifiers: Orphanet 791, MedGen C3151138, MONDO:0013436, OMIM 613809.

Submissions (2):

Baylor Genetics
Classification: Likely pathogenic for Retinitis pigmentosa 39. Last evaluated: 2024-01-17. Review status: criteria provided, single submitter. Criteria: ACMG Guidelines, 2015. Collection method: clinical testing. Allele origin: unknown.

Labcorp Genetics (formerly Invitae), Labcorp
Classification: Pathogenic. Last evaluated: 2022-08-23. Review status: criteria provided, single submitter. Criteria: Invitae Variant Classification Sherloc (09022015). Collection method: clinical testing. Allele origin: germline.
Comment: This sequence change creates a premature translational stop signal (p.Met1280_Arg1281delinsIle*) in the USH2A gene. It is expected to result in an absent or disrupted protein product. Loss-of-function variants in USH2A are known to be pathogenic (PMID: 10729113, 10909849, 20507924, 25649381). Information on the frequency of this variant in the gnomAD database is not available, as this variant may be reported differently in the database. This premature translational stop signal has been observed in individual(s) with Usher syndrome (PMID: 10729113). This variant is also known as MR1280IX. ClinVar contains an entry for this variant (Variation ID: 1455442). For these reasons, this variant has been classified as Pathogenic.

Literature cited by the submitters: PubMed 10729113 (cited by Labcorp Genetics (formerly Invitae), Labcorp); PubMed 10909849 (cited by Labcorp Genetics (formerly Invitae), Labcorp); PubMed 20507924 (cited by Labcorp Genetics (formerly Invitae), Labcorp); PubMed 25649381 (cited by Labcorp Genetics (formerly Invitae), Labcorp).

NM_206933.4(USH2A):c.3840_3841delinsCT (p.Met1280_Arg1281delinsIleTer)

Genes: USH2A (usherin; minus strand), USH2A-AS1 (USH2A antisense RNA 1; plus strand). Cytogenetic location: 1q41.
Variant type: Indel.
Coding change: c.3840_3841delinsCT on transcript NM_206933.4 (MANE Select); coding-DNA positions 3840 to 3841, GA replaced by CT.
Protein change: p.Met1280_Arg1281delinsIleTer.
Molecular consequence: nonsense.
Genome position (GRCh38, 1-based): chr1:216,198,555-216,198,556, TC replaced by AG on the plus strand (GA replaced by CT on the coding strand, the reverse complement: USH2A is on the minus strand). VCF-style: chr1-216198555-TC-AG. GRCh37 (hg19) VCF-style: chr1-216371897-TC-AG.
Other names: c.3840_3841delinsCT, p.Met1280_Arg1281delinsIleTer (NM_007123.6).
Identifiers: ClinVar variation 1455442 (VCV001455442.8), dbSNP rs2102464408, ClinGen allele CA2573132008.